The following is an entry in ClinVar:

NM_018896.5(CACNA1G):c.2318A>G (p.Asn773Ser)

Gene: CACNA1G (calcium voltage-gated channel subunit alpha1 G; plus strand). Cytogenetic location: 17q21.33.
Variant type: single nucleotide variant.
Coding change: c.2318A>G on transcript NM_018896.5 (MANE Select); coding-DNA position 2318, A replaced by G.
Protein change: p.Asn773Ser; replaces asparagine 773 with serine.
Molecular consequence: missense variant. On other transcripts: non-coding transcript variant (5).
Genome position (GRCh38, 1-based): chr17:50,590,487, A>G. VCF-style: chr17-50590487-A-G. GRCh37 (hg19) VCF-style: chr17-48667848-A-G.
Other names: c.2318A>G, p.Asn773Ser (NM_001256324.2, NM_001256325.2, NM_001256326.2 and 24 more transcripts); short protein forms N773S.
Identifiers: ClinVar variation 2395874 (VCV002395874.5), dbSNP rs768739223, ClinGen allele CA8652389.

ClinVar aggregate classification (germline): Uncertain significance. Review status: criteria provided, multiple submitters, no conflicts (2 of 4 stars). 2 submissions from 2 submitters: Uncertain significance (2). Last evaluated 2023-10-29.

Conditions:
Inborn genetic diseases. Identifiers: MedGen C0950123, MeSH D030342.

Allele frequency attached by ClinVar (database versions not stated): TOPMed 0.00001; ExAC 0.00002; gnomAD 0.00002; gnomAD exomes 0.00003.
gnomAD v4.1: 50 of 1,613,692 alleles (0.0031%); highest among the groups gnomAD compares: Non-Finnish European, 0.004%; no homozygotes.

Submissions (2):

Labcorp Genetics (formerly Invitae), Labcorp
Classification: Uncertain significance. Last evaluated: 2023-10-29. Review status: criteria provided, single submitter. Criteria: Invitae Variant Classification Sherloc (09022015). Collection method: clinical testing. Allele origin: germline.
Comment: This sequence change replaces asparagine, which is neutral and polar, with serine, which is neutral and polar, at codon 773 of the CACNA1G protein (p.Asn773Ser). This variant is present in population databases (rs768739223, gnomAD 0.002%). This variant has not been reported in the literature in individuals affected with CACNA1G-related conditions. ClinVar contains an entry for this variant (Variation ID: 2395874). Advanced modeling of protein sequence and biophysical properties (such as structural, functional, and spatial information, amino acid conservation, physicochemical variation, residue mobility, and thermodynamic stability) has been performed at Invitae for this missense variant, however the output from this modeling did not meet the statistical confidence thresholds required to predict the impact of this variant on CACNA1G protein function. In summary, the available evidence is currently insufficient to determine the role of this variant in disease. Therefore, it has been classified as a Variant of Uncertain Significance.

Ambry Genetics
Classification: Uncertain significance for Inborn genetic diseases. Last evaluated: 2022-03-16. Review status: criteria provided, single submitter. Criteria: Ambry Variant Classification Scheme 2023. Collection method: clinical testing. Allele origin: germline.